The following is an entry in ClinVar:

ClinVar aggregate classification (germline): Likely pathogenic (1 of 4 stars; one submission).

Conditions:
Junctional epidermolysis bullosa. Identifiers: Orphanet 305, MedGen C0079301, MONDO:0017612.

Submission:

Myriad Genetics, Inc.
Classification: Likely pathogenic for Junctional epidermolysis bullosa. Last evaluated: 2025-08-20. Review status: criteria provided, single submitter. Criteria: Myriad Autosomal Dominant, Autosomal Recessive and X-Linked Classification Criteria (2023). Collection method: clinical testing. Allele origin: unknown.
Comment: NM_000228.2(LAMB3):c.628+1G>T is a variant in a canonical splice site classified as likely pathogenic in the context of junctional epidermolysis bullosa, LAMB3-related. c.628+1G>T has not been observed in cases with relevant disease. Relevant functional assessments of this variant are not available in the literature. c.628+1G>T has not been observed in referenced population frequency databases. In summary, NM_000228.2(LAMB3):c.628+1G>T is a variant in a canonical splice site in a gene where loss of function is a known mechanism of disease and is predicted to disrupt protein function. Please note: this variant was assessed in the context of healthy population screening.

NM_000228.3(LAMB3):c.628+1G>T

Gene: LAMB3 (laminin subunit beta 3; minus strand). Cytogenetic location: 1q32.2.
Variant type: single nucleotide variant.
Coding change: c.628+1G>T on transcript NM_000228.3 (MANE Select); the canonical splice donor site of the intron after coding-DNA position 628, G replaced by T.
Molecular consequence: splice donor variant.
Genome position (GRCh38, 1-based): chr1:209,633,069, C>A on the plus strand (G>T on the coding strand, the complement: LAMB3 is on the minus strand). VCF-style: chr1-209633069-C-A. GRCh37 (hg19) VCF-style: chr1-209806414-C-A.
Other names: c.628+1G>T (NM_001127641.1, NM_001017402.2).
Identifiers: ClinVar variation 5003741 (VCV005003741.1).